The following is an entry in ClinVar:

ClinVar aggregate classification (germline): Conflicting classifications of pathogenicity. Review status: criteria provided, conflicting classifications (1 of 4 stars). 5 submissions from 5 submitters: Uncertain significance (2); Likely benign (3). Last evaluated 2025-09-03.

Conditions:
Marfan syndrome (MFS). Also called: FBN1-Related Marfan Syndrome; MARFAN SYNDROME, TYPE I; Marfan syndrome type 1; Marfan's syndrome; Marfan syndrome, classic. Identifiers: Orphanet 284963, Orphanet 558, MedGen C0024796, MONDO:0007947, OMIM 154700.
Familial thoracic aortic aneurysm and aortic dissection (TAAD). Also called: Thoracic aortic aneurysms and dissections. Identifiers: Orphanet 91387, MedGen C4707243, MONDO:0019625.

Allele frequency attached by ClinVar (database versions not stated): gnomAD exomes 0.00003 and below 0.00001; gnomAD 0.00001 and 0.00002; TOPMed 0.00002; ExAC 0.00001.
gnomAD v4.1: 48 of 1,613,894 alleles (0.003%); highest among the groups gnomAD compares: East Asian, 0.0067%; no homozygotes.

Submissions (5):

Labcorp Genetics (formerly Invitae), Labcorp
Classification: Likely benign for Marfan syndrome; Familial thoracic aortic aneurysm and aortic dissection. Last evaluated: 2025-09-03. Review status: criteria provided, single submitter. Criteria: Invitae Variant Classification Sherloc (09022015). Collection method: clinical testing. Allele origin: germline.

Ambry Genetics
Classification: Likely benign for Familial thoracic aortic aneurysm and aortic dissection. Last evaluated: 2024-10-25. Review status: criteria provided, single submitter. Criteria: Ambry Variant Classification Scheme 2023. Collection method: clinical testing. Allele origin: germline.

All of Us Research Program, National Institutes of Health
Classification: Likely benign for Marfan syndrome. Last evaluated: 2024-09-23. Review status: criteria provided, single submitter. Criteria: ACMG Guidelines, 2015. Collection method: clinical testing. Allele origin: germline. Inheritance: Autosomal dominant inheritance. Observed: 13 variant alleles, 13 heterozygotes.
Comment: This study involves interpretation of variants in research participants for the purpose of population health screening. Participant phenotype was not available at the time of variant classification. Additional details can be found in publication PMID: 35346344, PMCID: PMC8962531

Color Diagnostics, LLC DBA Color Health
Classification: Uncertain significance for Familial thoracic aortic aneurysm and aortic dissection. Last evaluated: 2024-09-12. Review status: criteria provided, single submitter. Criteria: ACMG Guidelines, 2015. Collection method: clinical testing. Allele origin: germline.
Comment: This missense variant replaces isoleucine with valine at codon 971 of the FBN1 protein. Computational prediction suggests that this variant may not impact protein structure and function. To our knowledge, functional studies have not been reported for this variant. This variant has not been reported in individuals affected with FBN1-related disorders in the literature. This variant has been identified in 1/251468 chromosomes in the general population by the Genome Aggregation Database (gnomAD). The available evidence is insufficient to determine the role of this variant in disease conclusively. Therefore, this variant is classified as a Variant of Uncertain Significance.

GeneDx
Classification: Uncertain significance. Last evaluated: 2022-02-07. Review status: criteria provided, single submitter. Criteria: GeneDx Variant Classification Process June 2021. Collection method: clinical testing. Allele origin: germline. Affected: yes.
Comment: Has not been previously published as pathogenic or benign to our knowledge; Not observed at a significant frequency in large population cohorts (gnomAD); In silico analysis supports that this missense variant does not alter protein structure/function; Does not affect a cysteine residue within a calcium-binding EGF-like domain of the FBN1 gene; cysteine substitutions in the calcium-binding EGF-like domains represent the majority of pathogenic missense changes associated with FBN1-related disorders (Collod-Beroud et al., 2003).; Reported in ClinVar (ClinVar Variant ID# 1038944)

Literature cited by the submitters: PubMed 26498160 (cited by Ambry Genetics).

NM_000138.5(FBN1):c.2911A>G (p.Ile971Val)

Gene: FBN1 (fibrillin 1; minus strand). Cytogenetic location: 15q21.1.
Variant type: single nucleotide variant.
Coding change: c.2911A>G on transcript NM_000138.5 (MANE Select); coding-DNA position 2911, A replaced by G.
Protein change: p.Ile971Val; replaces isoleucine 971 with valine.
Molecular consequence: missense variant.
Genome position (GRCh38, 1-based): chr15:48,490,022, T>C on the plus strand (A>G on the coding strand, the complement: FBN1 is on the minus strand). VCF-style: chr15-48490022-T-C. GRCh37 (hg19) VCF-style: chr15-48782219-T-C.
Other names: short protein forms I971V.
Identifiers: ClinVar variation 1038944 (VCV001038944.14), dbSNP rs766660415, ClinGen allele CA049346.
Genomic context (GRCh38, chr15:48,490,022, plus strand): 5'-CAGTACCCCAGGCTGCCCCGACGGAGCAGCAGCAGGCGTCCATGCGGTGGCGGCCAGCAA[T>C]AGGCAGGGTGCACTCCTCGTCCTCGTACCTCAGGAAGCAGGTTTCCAGGCGGATATCTGT-3'
Protein context (NP_000129.3, residues 961-981): RYEDEECTLP[Ile971Val]AGRHRMDACC